The following is an entry in ClinVar:

NM_000642.3(AGL):c.2157+5G>T

Gene: AGL (amylo-alpha-1,6-glucosidase and 4-alpha-glucanotransferase; plus strand). Cytogenetic location: 1p21.2.
Variant type: single nucleotide variant.
Coding change: c.2157+5G>T on transcript NM_000642.3 (MANE Select); 5 bases into the intron after coding-DNA position 2157, G replaced by T.
Molecular consequence: intron variant.
Genome position (GRCh38, 1-based): chr1:99,881,452, G>T. VCF-style: chr1-99881452-G-T. GRCh37 (hg19) VCF-style: chr1-100347008-G-T.
Other names: c.2157+5G>T (NM_000643.3, NM_000644.3, NM_001425326.1 and 2 more transcripts); c.2109+5G>T (NM_000646.3); c.1956+5G>T (NM_001425327.1); c.1953+5G>T (NM_001425328.1, NM_001425329.1); c.1779+5G>T (NM_001425332.1).
Identifiers: ClinVar variation 2025085 (VCV002025085.1), dbSNP rs1652019453, ClinGen allele CA1183929333.
Genomic context (GRCh38, chr1:99,881,452, plus strand): 5'-CCAGGTGTGCTATCAGTAAACTTCATCAGGAGCTTGGAGCCAAGGGTTTTATTCAGGCAA[G>T]AAATAATTAAATTTGTTTCTTCAGGTTCAATTTCAGAGTAAGTCTTTCCAGTTTGAGAGC-3'

ClinVar aggregate classification (germline): Uncertain significance (1 of 4 stars; one submission).

Conditions:
Glycogen storage disease type III (GSD3). Also called: FORBES DISEASE; Cori disease. Identifiers: Orphanet 366, MedGen C0017922, MONDO:0009291, OMIM 232400.

Allele frequency attached by ClinVar (database versions not stated): TOPMed below 0.00001.

Submission:

Labcorp Genetics (formerly Invitae), Labcorp
Classification: Uncertain significance for Glycogen storage disease type III. Last evaluated: 2022-07-21. Review status: criteria provided, single submitter. Criteria: Invitae Variant Classification Sherloc (09022015). Collection method: clinical testing. Allele origin: germline.
Comment: This sequence change falls in intron 16 of the AGL gene. It does not directly change the encoded amino acid sequence of the AGL protein. It affects a nucleotide within the consensus splice site. This variant is not present in population databases (gnomAD no frequency). This variant has not been reported in the literature in individuals affected with AGL-related conditions. Variants that disrupt the consensus splice site are a relatively common cause of aberrant splicing (PMID: 17576681, 9536098). Algorithms developed to predict the effect of sequence changes on RNA splicing suggest that this variant may disrupt the consensus splice site. In summary, the available evidence is currently insufficient to determine the role of this variant in disease. Therefore, it has been classified as a Variant of Uncertain Significance.

Literature cited by the submitters: PubMed 17576681; PubMed 9536098.